The following is an entry in ClinVar:

NM_001267550.2(TTN):c.81178G>T (p.Asp27060Tyr)

Genes: TTN-AS1 (TTN antisense RNA 1; plus strand), TTN (titin; minus strand). Cytogenetic location: 2q31.2.
Variant type: single nucleotide variant.
Coding change: c.81178G>T on transcript NM_001267550.2 (MANE Select); coding-DNA position 81178, G replaced by T.
Protein change: p.Asp27060Tyr; replaces aspartic acid 27060 with tyrosine.
Molecular consequence: missense variant.
Genome position (GRCh38, 1-based): chr2:178,564,954, C>A on the plus strand (G>T on the coding strand, the complement: TTN is on the minus strand). VCF-style: chr2-178564954-C-A. GRCh37 (hg19) VCF-style: chr2-179429681-C-A.
Other names: c.73474G>T, p.Asp24492Tyr (NM_133378.4); c.76255G>T, p.Asp25419Tyr (NM_001256850.1); c.53983G>T, p.Asp17995Tyr (NM_003319.4); c.54358G>T, p.Asp18120Tyr (NM_133432.3); c.54559G>T, p.Asp18187Tyr (NM_133437.4); c.81178G>T (NM_001267550.1); short protein forms D24492Y, D27060Y, D18187Y, D18120Y, D17995Y, D25419Y.
Identifiers: ClinVar variation 504540 (VCV000504540.10), dbSNP rs372875889, ClinGen allele CA1989242.

ClinVar aggregate classification (germline): Uncertain significance. Review status: criteria provided, multiple submitters, no conflicts (2 of 4 stars). 4 submissions from 4 submitters: Uncertain significance (4). Last evaluated 2025-05-09.

Conditions:
TTN-related disorder. Also called: TTN-related condition; TTN-related disease; TTN-related disorders.
Cardiovascular phenotype. Identifiers: MedGen CN230736.

Allele frequency attached by ClinVar (database versions not stated): gnomAD exomes below 0.00001 and 0.00001; gnomAD 0.00001; ExAC 0.00002; ESP Exome Variant Server 0.00008; TOPMed 0.00010.
gnomAD v4.1: 5 of 1,612,028 alleles (0.00031%); highest among the groups gnomAD compares: African/African-American, 0.0054%; no homozygotes.

Submissions (4):

PreventionGenetics, part of Exact Sciences
Classification: Uncertain significance for TTN-related condition. Last evaluated: 2025-05-09. Review status: criteria provided, single submitter. Criteria: ACMG Guidelines, 2015. Collection method: clinical testing. Allele origin: germline.
Comment: The TTN c.81178G>T variant is predicted to result in the amino acid substitution p.Asp27060Tyr. To our knowledge, this variant has not been reported in the literature. This variant is reported in 0.012% of alleles in individuals of African descent in gnomAD. At this time, the clinical significance of this variant is uncertain due to the absence of conclusive functional and genetic evidence.

GeneDx
Classification: Uncertain significance. Last evaluated: 2022-06-02. Review status: criteria provided, single submitter. Criteria: GeneDx Variant Classification Process June 2021. Collection method: clinical testing. Allele origin: germline. Affected: yes.
Comment: Not observed at significant frequency in large population cohorts (gnomAD); Missense variant in a gene in which most reported pathogenic variants are truncating/loss of function; Has not been previously published as pathogenic or benign to our knowledge; This variant is associated with the following publications: (PMID: 23975875)

Ambry Genetics
Classification: Uncertain significance for Cardiovascular phenotype. Last evaluated: 2018-08-31. Review status: criteria provided, single submitter. Criteria: Ambry Variant Classification Scheme 2023. Collection method: clinical testing. Allele origin: germline.
Comment: The p.D17995Y variant (also known as c.53983G>T), located in coding exon 153 of the TTN gene, results from a G to T substitution at nucleotide position 53983. The aspartic acid at codon 17995 is replaced by tyrosine, an amino acid with highly dissimilar properties. This amino acid position is well conserved in available vertebrate species. In addition, this alteration is predicted to be possibly damaging and unknown by PolyPhen and SIFT in silico analyses, respectively. Since supporting evidence is limited at this time, the clinical significance of this alteration remains unclear.

Laboratory for Molecular Medicine, Mass General Brigham Personalized Medicine
Classification: Uncertain significance. Last evaluated: 2017-05-22. Review status: criteria provided, single submitter. Criteria: LMM Criteria. Collection method: clinical testing. Allele origin: germline. Observed: 1 variant allele.
Comment: The p.Asp24492Tyr variant in TTN has not been previously reported in individuals with cardiomyopathy, but has been identified in 3/23986 African chromosomes by the genome Aggregation Database (gnomAD). Com putational prediction tools and conservation analysis suggest that the p.Asp2449 2Tyr variant may impact the protein, though this information is not predictive e nough to determine pathogenicity. In summary, the clinical significance of the p .Asp24492Tyr variant is uncertain.